The following is an entry in ClinVar:

NM_001111.5(ADAR):c.3052A>G (p.Ile1018Val)

Gene: ADAR (adenosine deaminase RNA specific; minus strand). Cytogenetic location: 1q21.3.
Variant type: single nucleotide variant.
Coding change: c.3052A>G on transcript NM_001111.5 (MANE Select); coding-DNA position 3052, A replaced by G.
Protein change: p.Ile1018Val; replaces isoleucine 1018 with valine.
Molecular consequence: missense variant.
Genome position (GRCh38, 1-based): chr1:154,586,331, T>C on the plus strand (A>G on the coding strand, the complement: ADAR is on the minus strand). VCF-style: chr1-154586331-T-C. GRCh37 (hg19) VCF-style: chr1-154558807-T-C.
Other names: c.2167A>G, p.Ile723Val (NM_001025107.3, NM_001193495.2, NM_001365046.1 and 2 more transcripts); c.3079A>G, p.Ile1027Val (NM_001365045.1); c.2089A>G, p.Ile697Val (NM_001365049.1); c.2974A>G, p.Ile992Val (NM_015840.4); c.2917A>G, p.Ile973Val (NM_015841.4); short protein forms I697V, I723V, I992V, I1018V, I1027V, I973V.
Identifiers: ClinVar variation 1353391 (VCV001353391.8), dbSNP rs1696761288, ClinGen allele CA342635831.

ClinVar aggregate classification (germline): Uncertain significance (1 of 4 stars; one submission).

Conditions:
Symmetrical dyschromatosis of extremities (DSH). Also called: Dyschromatosis symmetrica hereditaria; DYSCHROMATOSIS SYMMETRICA HEREDITARIA 1; RETICULATE ACROPIGMENTATION OF DOHI; SYMMETRIC DYSCHROMATOSIS OF THE EXTREMITIES. Identifiers: Orphanet 41, MedGen C0406775, MONDO:0007483, OMIM 127400.
Aicardi-Goutieres syndrome 6 (AGS6). Identifiers: Orphanet 51, MedGen C3539013, MONDO:0014007, OMIM 615010.

Allele frequency attached by ClinVar (database versions not stated): gnomAD exomes below 0.00001.
gnomAD v4.1: 2 of 1,614,174 alleles (0.00012%); highest among the groups gnomAD compares: Non-Finnish European, 0.00017%; no homozygotes.

Submission:

Labcorp Genetics (formerly Invitae), Labcorp
Classification: Uncertain significance for Aicardi-Goutieres syndrome 6; Symmetrical dyschromatosis of extremities. Last evaluated: 2021-04-22. Review status: criteria provided, single submitter. Criteria: Invitae Variant Classification Sherloc (09022015). Collection method: clinical testing. Allele origin: germline.
Comment: This variant has not been reported in the literature in individuals with ADAR-related conditions. In summary, the available evidence is currently insufficient to determine the role of this variant in disease. Therefore, it has been classified as a Variant of Uncertain Significance. Algorithms developed to predict the effect of missense changes on protein structure and function are either unavailable or do not agree on the potential impact of this missense change (SIFT: "Tolerated"; PolyPhen-2: "Possibly Damaging"; Align-GVGD: "Class C0"). This variant is not present in population databases (ExAC no frequency). This sequence change replaces isoleucine with valine at codon 1018 of the ADAR protein (p.Ile1018Val). The isoleucine residue is highly conserved and there is a small physicochemical difference between isoleucine and valine.